The following is an entry in ClinVar:

ClinVar aggregate classification (germline): Benign/Likely benign. Review status: criteria provided, multiple submitters, no conflicts (2 of 4 stars). 2 submissions from 2 submitters: Benign (1); Likely benign (1). Last evaluated 2025-01-30.

Conditions:
Lynch syndrome 4 (LYNCH4). Also called: Colorectal cancer, hereditary nonpolyposis, type 4; Hereditary non-polyposis colorectal cancer, type 4. Identifiers: Orphanet 144, MedGen C1838333, MONDO:0013699, OMIM 614337. Disease mechanism: loss of function.
Hereditary cancer-predisposing syndrome. Also called: Neoplastic Syndromes, Hereditary; Tumor predisposition; Hereditary neoplastic syndrome; Hereditary Cancer Syndrome. Identifiers: Orphanet 140162, MedGen C0027672, MeSH D009386, MONDO:0015356.

Submissions (2):

Myriad Genetics, Inc.
Classification: Benign for Lynch syndrome 4. Last evaluated: 2025-01-30. Review status: criteria provided, single submitter. Criteria: Myriad Autosomal Dominant, Autosomal Recessive and X-Linked Classification Criteria (2023). Collection method: clinical testing. Allele origin: unknown.
Comment: This variant is considered benign. This variant is a silent/synonymous amino acid change and it is not expected to impact splicing.

Ambry Genetics
Classification: Likely benign for Hereditary cancer-predisposing syndrome. Last evaluated: 2023-03-05. Review status: criteria provided, single submitter. Criteria: Ambry Variant Classification Scheme 2023. Collection method: clinical testing. Allele origin: germline.

NM_000535.7(PMS2):c.1287A>G (p.Thr429=)

Gene: PMS2 (PMS1 homolog 2, mismatch repair system component; minus strand). Cytogenetic location: 7p22.1.
Variant type: single nucleotide variant.
Coding change: c.1287A>G on transcript NM_000535.7 (MANE Select); coding-DNA position 1287, A replaced by G.
Protein change: p.Thr429=; no amino-acid change (threonine 429 retained).
Molecular consequence: synonymous variant. On other transcripts: non-coding transcript variant (1), intron variant (1).
Genome position (GRCh38, 1-based): chr7:5,987,478, T>C on the plus strand (A>G on the coding strand, the complement: PMS2 is on the minus strand). VCF-style: chr7-5987478-T-C. GRCh37 (hg19) VCF-style: chr7-6027109-T-C.
Other names: c.882A>G, p.Thr294= (NM_001018040.1, NM_001322003.2, NM_001322004.2 and 17 more transcripts); c.1131A>G, p.Thr377= (NM_001322006.2, NM_001406870.1); c.969A>G, p.Thr323= (NM_001322007.2, NM_001322008.2, NM_001406876.1 and 2 more transcripts); c.726A>G, p.Thr242= (NM_001322010.2, NM_001406906.1, NM_001406907.1); c.354A>G, p.Thr118= (NM_001322011.2, NM_001322012.2); c.714A>G, p.Thr238= (NM_001322013.2, NM_001406909.1); c.1287A>G, p.Thr429= (NM_001322014.2, NM_001406871.1, NM_001406872.1); c.978A>G, p.Thr326= (NM_001322015.2, NM_001406875.1, NM_001406877.1 and 5 more transcripts); and 13 more.
Identifiers: ClinVar variation 2451630 (VCV002451630.3), dbSNP rs2128734278, ClinGen allele CA453747911.